The following is an entry in ClinVar:

ClinVar aggregate classification (germline): Pathogenic/Likely pathogenic. Review status: criteria provided, multiple submitters, no conflicts (2 of 4 stars). 2 submissions from 2 submitters: Pathogenic (1); Likely pathogenic (1). Last evaluated 2025-08-19.

Conditions:
Nephrotic syndrome, type 2 (NPHS2). Also called: NEPHROTIC SYNDROME, STEROID-RESISTANT, AUTOSOMAL RECESSIVE. Identifiers: Orphanet 656, MedGen C1868672, MONDO:0010974, OMIM 600995.

Submissions (2):

3billion
Classification: Likely pathogenic for Nephrotic syndrome, type 2. Last evaluated: 2025-08-19. Review status: criteria provided, single submitter. Criteria: ACMG Guidelines, 2015. Collection method: clinical testing. Allele origin: germline. Affected: yes.
Comment: The variant is observed at an extremely low frequency in the gnomAD v4.1.0 dataset (total allele frequency: <0.001%). Predicted Consequence/Location: Start lost variant. Multiple variants leading to the loss of a start codon have been previously reported as pathogenic/likely poathogenic (ClinVar ID: VCV002771430.2, VCV000370679.4, VCV001344814.18) Start lost variant. Multiple variants leading to the loss of a start codon have been previously reported as pathogenic/likely poathogenic (ClinVar ID: VCV002771430.2, VCV000370679.4, VCV001344814.18) Therefore, this variant is classified as Likely pathogenic according to the recommendation of ACMG/AMP guideline.

Fulgent Genetics
Classification: Pathogenic for Nephrotic syndrome, type 2. Last evaluated: 2024-03-05. Review status: criteria provided, single submitter. Criteria: ACMG Guidelines, 2015. Collection method: clinical testing. Allele origin: germline.

NM_014625.4(NPHS2):c.2T>C (p.Met1Thr)

Gene: NPHS2 (NPHS2 stomatin family member, podocin; minus strand). Cytogenetic location: 1q25.2.
Variant type: single nucleotide variant.
Coding change: c.2T>C on transcript NM_014625.4 (MANE Select); coding-DNA position 2, T replaced by C.
Protein change: p.Met1Thr; changes the start codon (methionine 1).
Molecular consequence: missense variant, initiator codon variant.
Genome position (GRCh38, 1-based): chr1:179,575,863, A>G on the plus strand (T>C on the coding strand, the complement: NPHS2 is on the minus strand). VCF-style: chr1-179575863-A-G. GRCh37 (hg19) VCF-style: chr1-179544998-A-G.
Other names: c.2T>C, p.Met1Thr (NM_001297575.2); short protein forms M1T.
Identifiers: ClinVar variation 3574492 (VCV003574492.2).